The following is an entry in ClinVar:

ClinVar aggregate classification (germline): Uncertain significance. Review status: criteria provided, multiple submitters, no conflicts (2 of 4 stars). 2 submissions from 2 submitters: Uncertain significance (2). Last evaluated 2025-06-09.

Allele frequency attached by ClinVar (database versions not stated): ESP Exome Variant Server 0.00008; ExAC 0.00002; gnomAD 0.00001; gnomAD exomes 0.00001; TOPMed 0.00002.
gnomAD v4.1: 14 of 1,613,520 alleles (0.00087%); highest among the groups gnomAD compares: South Asian, 0.0033%; no homozygotes.

Submissions (2):

GeneDx
Classification: Uncertain significance. Last evaluated: 2025-06-09. Review status: criteria provided, single submitter. Criteria: GeneDx Variant Classification Process June 2021. Collection method: clinical testing. Allele origin: germline. Affected: yes.
Comment: Not observed at significant frequency in large population cohorts (gnomAD); In silico analysis suggests that this missense variant does not alter protein structure/function; This variant is associated with the following publications: (PMID: 24416283)

Labcorp Genetics (formerly Invitae), Labcorp
Classification: Uncertain significance. Last evaluated: 2022-11-01. Review status: criteria provided, single submitter. Criteria: Invitae Variant Classification Sherloc (09022015). Collection method: clinical testing. Allele origin: germline.
Comment: This sequence change replaces arginine, which is basic and polar, with histidine, which is basic and polar, at codon 412 of the CDH23 protein (p.Arg412His). This variant is present in population databases (rs368817860, gnomAD 0.007%). This missense change has been observed in individual(s) with CDH23-related conditions (PMID: 24416283). Advanced modeling of protein sequence and biophysical properties (such as structural, functional, and spatial information, amino acid conservation, physicochemical variation, residue mobility, and thermodynamic stability) performed at Invitae indicates that this missense variant is not expected to disrupt CDH23 protein function. In summary, the available evidence is currently insufficient to determine the role of this variant in disease. Therefore, it has been classified as a Variant of Uncertain Significance.

Literature cited by the submitters: PubMed 24416283 (cited by Labcorp Genetics (formerly Invitae), Labcorp).

NM_022124.6(CDH23):c.1235G>A (p.Arg412His)

Gene: CDH23 (cadherin related 23; plus strand). Cytogenetic location: 10q22.1.
Variant type: single nucleotide variant.
Coding change: c.1235G>A on transcript NM_022124.6 (MANE Select); coding-DNA position 1235, G replaced by A.
Protein change: p.Arg412His; replaces arginine 412 with histidine.
Molecular consequence: missense variant.
Genome position (GRCh38, 1-based): chr10:71,645,925, G>A. VCF-style: chr10-71645925-G-A. GRCh37 (hg19) VCF-style: chr10-73405682-G-A.
Other names: c.1235G>A, p.Arg412His (NM_001171930.2, NM_001171931.2, NM_052836.4); c.1235G>A (NM_022124.5); short protein forms R412H.
Identifiers: ClinVar variation 2199367 (VCV002199367.2), dbSNP rs368817860, ClinGen allele CA5543739.
Genomic context (GRCh38, chr10:71,645,925, plus strand): 5'-GGAACAACTCCCACCACTTCATCATCTCCCCGACCTCCGTCCAGGGGAAGGCGGACATTC[G>A]TATTCGGGTGGCCATCCCACTGGACTACGAGACCGTGGACCGCTACGACTTTGATGTAAG-3'
Protein context (NP_071407.4, residues 402-422): PTSVQGKADI[Arg412His]IRVAIPLDYE